The following is an entry in ClinVar:

ClinVar aggregate classification (germline): Benign. Review status: criteria provided, multiple submitters, no conflicts (2 of 4 stars). 4 submissions from 4 submitters: Benign (4). Last evaluated 2026-01-20.

Conditions:
Microcephaly 2, primary, autosomal recessive, with or without cortical malformations. Also called: MICROCEPHALY 2, PRIMARY, AUTOSOMAL RECESSIVE, WITH CORTICAL MALFORMATIONS; WDR62 Primary Microcephaly. Identifiers: Orphanet 2512, MedGen C1858535, MONDO:0011435, OMIM 604317.

Allele frequency attached by ClinVar (database versions not stated): ExAC 0.00333; 1000 Genomes Project 0.01058; gnomAD 0.01076 and 0.01151; 1000 Genomes Project 30x 0.01124; TOPMed 0.01128; ESP Exome Variant Server 0.01131.
gnomAD v4.1: 3,119 of 1,611,836 alleles (0.19%); highest among the groups gnomAD compares: African/African-American, 3.7%; 61 homozygotes.

Submissions (4):

Labcorp Genetics (formerly Invitae), Labcorp
Classification: Benign. Last evaluated: 2026-01-20. Review status: criteria provided, single submitter. Criteria: Invitae Variant Classification Sherloc (09022015). Collection method: clinical testing. Allele origin: germline.

Genome-Nilou Lab
Classification: Benign for Microcephaly 2, primary, autosomal recessive, with or without cortical malformations. Last evaluated: 2021-12-05. Review status: criteria provided, single submitter. Criteria: ACMG Guidelines, 2015. Collection method: clinical testing. Allele origin: germline. Affected: no.

Illumina Laboratory Services, Illumina
Classification: Benign for Microcephaly 2, primary, autosomal recessive, with or without cortical malformations. Last evaluated: 2018-01-13. Review status: criteria provided, single submitter. Criteria: ICSL Variant Classification Criteria 13 December 2019. Collection method: clinical testing. Allele origin: germline.
Comment: This variant was observed in the ICSL laboratory as part of a predisposition screen in an ostensibly healthy population. It had not been previously curated by ICSL or reported in the Human Gene Mutation Database (HGMD: prior to June 1st, 2018), and was therefore a candidate for classification through an automated scoring system. Utilizing variant allele frequency, disease prevalence and penetrance estimates, and inheritance mode, an automated score was calculated to assess if this variant is too frequent to cause the disease. Based on the score and internal cut-off values, a variant classified as benign is not then subjected to further curation. The score for this variant resulted in a classification of benign for this disease.

GeneDx
Classification: Benign. Last evaluated: 2015-03-03. Review status: criteria provided, single submitter. Criteria: GeneDx Variant Classification Process June 2021. Collection method: clinical testing. Allele origin: germline. Affected: yes.

NM_001083961.2(WDR62):c.2521-13G>C

Gene: WDR62 (WD repeat domain 62; plus strand). Cytogenetic location: 19q13.12.
Variant type: single nucleotide variant.
Coding change: c.2521-13G>C on transcript NM_001083961.2 (MANE Select); 13 bases into the intron before coding-DNA position 2521, G replaced by C.
Molecular consequence: intron variant.
Genome position (GRCh38, 1-based): chr19:36,099,386, G>C. VCF-style: chr19-36099386-G-C. GRCh37 (hg19) VCF-style: chr19-36590288-G-C.
Other names: c.2521-13G>C (NM_173636.5).
Identifiers: ClinVar variation 328917 (VCV000328917.16), dbSNP rs79646208, ClinGen allele CA9395980.